The following is an entry in ClinVar:

ClinVar aggregate classification (germline): Uncertain significance (1 of 4 stars; one submission).

Submission:

GeneDx
Classification: Uncertain significance. Last evaluated: 2023-04-29. Review status: criteria provided, single submitter. Criteria: GeneDx Variant Classification Process June 2021. Collection method: clinical testing. Allele origin: germline. Affected: yes.
Comment: Not observed at significant frequency in large population cohorts (gnomAD); In silico analysis supports that this missense variant has a deleterious effect on protein structure/function; Has not been previously published as pathogenic or benign to our knowledge

NM_001429.4(EP300):c.1738C>G (p.Arg580Gly)

Gene: EP300 (E1A binding protein p300; plus strand). Cytogenetic location: 22q13.2.
Variant type: single nucleotide variant.
Coding change: c.1738C>G on transcript NM_001429.4 (MANE Select); coding-DNA position 1738, C replaced by G.
Protein change: p.Arg580Gly; replaces arginine 580 with glycine.
Molecular consequence: missense variant.
Genome position (GRCh38, 1-based): chr22:41,137,768, C>G. VCF-style: chr22-41137768-C-G. GRCh37 (hg19) VCF-style: chr22-41533772-C-G.
Other names: c.1738C>G, p.Arg580Gly (NM_001362843.2); short protein forms R580G.
Identifiers: ClinVar variation 3343151 (VCV003343151.1).